The following is an entry in ClinVar:

NM_001374259.2(IL12RB2):c.1795A>G (p.Thr599Ala)

Gene: IL12RB2 (interleukin 12 receptor subunit beta 2; plus strand). Cytogenetic location: 1p31.3.
Variant type: single nucleotide variant.
Coding change: c.1795A>G on transcript NM_001374259.2 (MANE Select); coding-DNA position 1795, A replaced by G.
Protein change: p.Thr599Ala; replaces threonine 599 with alanine.
Molecular consequence: missense variant. On other transcripts: non-coding transcript variant (2).
Genome position (GRCh38, 1-based): chr1:67,380,063, A>G. VCF-style: chr1-67380063-A-G. GRCh37 (hg19) VCF-style: chr1-67845746-A-G.
Other names: c.1795A>G, p.Thr599Ala (NM_001258214.1, NM_001258216.1, NM_001319233.1 and 1 more transcripts); c.1537A>G, p.Thr513Ala (NM_001258215.1); c.1795A>G (NM_001559.2); short protein forms T599A, T513A.
Identifiers: ClinVar variation 1395028 (VCV001395028.11), dbSNP rs372136510, ClinGen allele CA900577.
Genomic context (GRCh38, chr1:67,380,063, plus strand): 5'-TCCCAAAATTCACATCCAATAAACAGCCTGCAGCCCCGAGTGACATATGTCCTGTGGATG[A>G]CAGCTCTGACAGCTGCTGGTGAAAGTTCCCACGGAAATGAGAGGGAATTTTGTCTGCAAG-3'
Protein context (NP_001361188.1, residues 589-609): QPRVTYVLWM[Thr599Ala]ALTAAGESSH

ClinVar aggregate classification (germline): Uncertain significance. Review status: criteria provided, multiple submitters, no conflicts (2 of 4 stars). 2 submissions from 2 submitters: Uncertain significance (2). Last evaluated 2025-08-04.

Allele frequency attached by ClinVar (database versions not stated): gnomAD 0.00005 and 0.00006; ExAC 0.00007; ESP Exome Variant Server 0.00008; gnomAD exomes 0.00008; TOPMed 0.00008.
gnomAD v4.1: 132 of 1,613,888 alleles (0.0082%); highest among the groups gnomAD compares: Middle Eastern, 0.12%; no homozygotes.

Submissions (2):

Labcorp Genetics (formerly Invitae), Labcorp
Classification: Uncertain significance. Last evaluated: 2025-08-04. Review status: criteria provided, single submitter. Criteria: Invitae Variant Classification Sherloc (09022015). Collection method: clinical testing. Allele origin: germline.
Comment: This sequence change replaces threonine, which is neutral and polar, with alanine, which is neutral and non-polar, at codon 599 of the IL12RB2 protein (p.Thr599Ala). This variant is present in population databases (rs372136510, gnomAD 0.03%). This variant has not been reported in the literature in individuals affected with IL12RB2-related conditions. ClinVar contains an entry for this variant (Variation ID: 1395028). An algorithm developed to predict the effect of missense changes on protein structure and function (PolyPhen-2) suggests that this variant is likely to be disruptive. In summary, the available evidence is currently insufficient to determine the role of this variant in disease. Therefore, it has been classified as a Variant of Uncertain Significance.

Ambry Genetics
Classification: Uncertain significance. Last evaluated: 2024-12-03. Review status: criteria provided, single submitter. Criteria: Ambry Variant Classification Scheme 2023. Collection method: clinical testing. Allele origin: germline.